The following is an entry in ClinVar:

ClinVar aggregate classification (germline): Uncertain significance. Review status: criteria provided, multiple submitters, no conflicts (2 of 4 stars). 2 submissions from 2 submitters: Uncertain significance (2). Last evaluated 2025-11-20.

Conditions:
Inborn genetic diseases. Identifiers: MedGen C0950123, MeSH D030342.

Allele frequency attached by ClinVar (database versions not stated): gnomAD exomes below 0.00001; gnomAD 0.00001; TOPMed 0.00002.
gnomAD v4.1: 7 of 1,264,654 alleles (0.00055%); highest among the groups gnomAD compares: East Asian, 0.019%; no homozygotes.

Submissions (2):

Ambry Genetics
Classification: Uncertain significance for Inborn genetic diseases. Last evaluated: 2025-11-20. Review status: criteria provided, single submitter. Criteria: Ambry Variant Classification Scheme 2023. Collection method: clinical testing. Allele origin: germline.

Labcorp Genetics (formerly Invitae), Labcorp
Classification: Uncertain significance. Last evaluated: 2024-04-22. Review status: criteria provided, single submitter. Criteria: Invitae Variant Classification Sherloc (09022015). Collection method: clinical testing. Allele origin: germline.
Comment: This sequence change replaces serine, which is neutral and polar, with glycine, which is neutral and non-polar, at codon 6 of the ADCY5 protein (p.Ser6Gly). This variant is not present in population databases (gnomAD no frequency). This variant has not been reported in the literature in individuals affected with ADCY5-related conditions. ClinVar contains an entry for this variant (Variation ID: 2526442). Advanced modeling of protein sequence and biophysical properties (such as structural, functional, and spatial information, amino acid conservation, physicochemical variation, residue mobility, and thermodynamic stability) performed at Invitae indicates that this missense variant is not expected to disrupt ADCY5 protein function with a negative predictive value of 95%. In summary, the available evidence is currently insufficient to determine the role of this variant in disease. Therefore, it has been classified as a Variant of Uncertain Significance.

NM_183357.3(ADCY5):c.16A>G (p.Ser6Gly)

Gene: ADCY5 (adenylate cyclase 5; minus strand). Cytogenetic location: 3q21.1.
Variant type: single nucleotide variant.
Coding change: c.16A>G on transcript NM_183357.3 (MANE Select); coding-DNA position 16, A replaced by G.
Protein change: p.Ser6Gly; replaces serine 6 with glycine.
Molecular consequence: missense variant.
Genome position (GRCh38, 1-based): chr3:123,448,530, T>C on the plus strand (A>G on the coding strand, the complement: ADCY5 is on the minus strand). VCF-style: chr3-123448530-T-C. GRCh37 (hg19) VCF-style: chr3-123167377-T-C.
Other names: c.16A>G, p.Ser6Gly (NM_001378259.1); short protein forms S6G.
Identifiers: ClinVar variation 2526442 (VCV002526442.6), dbSNP rs1460670980, ClinGen allele CA354359093.